The following is an entry in ClinVar:

NM_006766.5(KAT6A):c.1483A>G (p.Lys495Glu)

Gene: KAT6A (lysine acetyltransferase 6A; minus strand). Cytogenetic location: 8p11.21.
Variant type: single nucleotide variant.
Coding change: c.1483A>G on transcript NM_006766.5 (MANE Select); coding-DNA position 1483, A replaced by G.
Protein change: p.Lys495Glu; replaces lysine 495 with glutamic acid.
Molecular consequence: missense variant.
Genome position (GRCh38, 1-based): chr8:41,955,411, T>C on the plus strand (A>G on the coding strand, the complement: KAT6A is on the minus strand). VCF-style: chr8-41955411-T-C. GRCh37 (hg19) VCF-style: chr8-41812929-T-C.
Other names: c.1483A>G, p.Lys495Glu (NM_001305878.2); short protein forms K495E.
Identifiers: ClinVar variation 1773615 (VCV001773615.5), dbSNP rs1034355795, ClinGen allele CA175952346.

ClinVar aggregate classification (germline): Uncertain significance. Review status: criteria provided, multiple submitters, no conflicts (2 of 4 stars). 2 submissions from 2 submitters: Uncertain significance (2). Last evaluated 2025-11-17.

Conditions:
Inborn genetic diseases. Identifiers: MedGen C0950123, MeSH D030342.

Allele frequency attached by ClinVar (database versions not stated): TOPMed 0.00001; gnomAD 0.00001.
gnomAD v4.1: 1 of 1,589,338 alleles (0.000063%); highest among the groups gnomAD compares: Non-Finnish European, 0.000086%; no homozygotes.

Submissions (2):

Labcorp Genetics (formerly Invitae), Labcorp
Classification: Uncertain significance. Last evaluated: 2025-11-17. Review status: criteria provided, single submitter. Criteria: Invitae Variant Classification Sherloc (09022015). Collection method: clinical testing. Allele origin: germline.
Comment: This sequence change replaces lysine, which is basic and polar, with glutamic acid, which is acidic and polar, at codon 495 of the KAT6A protein (p.Lys495Glu). This variant is not present in population databases (gnomAD no frequency). This variant has not been reported in the literature in individuals affected with KAT6A-related conditions. ClinVar contains an entry for this variant (Variation ID: 1773615). Invitae Evidence Modeling of protein sequence and biophysical properties (such as structural, functional, and spatial information, amino acid conservation, physicochemical variation, residue mobility, and thermodynamic stability) indicates that this missense variant is not expected to disrupt KAT6A protein function with a negative predictive value of 95%. In summary, the available evidence is currently insufficient to determine the role of this variant in disease. Therefore, it has been classified as a Variant of Uncertain Significance.

Ambry Genetics
Classification: Uncertain significance for Inborn genetic diseases. Last evaluated: 2017-06-21. Review status: criteria provided, single submitter. Criteria: Ambry Variant Classification Scheme 2023. Collection method: clinical testing. Allele origin: germline.
Comment: The p.K495E variant (also known as c.1483A>G) is located in coding exon 8 of the KAT6A gene. The lysine at codon 495 is replaced by glutamic acid, an amino acid with similar properties. This amino acid position is highly conserved in available vertebrate species. In addition, this alteration is predicted to be deleterious by in silico analysis. Since supporting evidence is limited at this time, the clinical significance of this alteration remains unclear.